The following is an entry in ClinVar:

NM_001127222.2(CACNA1A):c.4886G>A (p.Trp1629Ter)

Gene: CACNA1A (calcium voltage-gated channel subunit alpha1 A; minus strand). Cytogenetic location: 19p13.13.
Variant type: single nucleotide variant.
Coding change: c.4886G>A on transcript NM_001127222.2 (MANE Select); coding-DNA position 4886, G replaced by A.
Protein change: p.Trp1629Ter; replaces tryptophan 1629 with a stop codon.
Molecular consequence: nonsense.
Genome position (GRCh38, 1-based): chr19:13,245,246, C>T on the plus strand (G>A on the coding strand, the complement: CACNA1A is on the minus strand). VCF-style: chr19-13245246-C-T. GRCh37 (hg19) VCF-style: chr19-13356060-C-T.
Other names: c.4898G>A, p.Trp1633Ter (NM_000068.4, NM_023035.3); c.4889G>A, p.Trp1630Ter (NM_001127221.2, NM_001174080.2); short protein forms W1629*, W1630*, W1633*.
Identifiers: ClinVar variation 3756758 (VCV003756758.2).
Genomic context (GRCh38, chr19:13,245,246, plus strand): 5'-AACTCAGTCACGAGGATATCGGTGATGCTGCCCAGAACAGTCACAAAGTCGAAGATGTTC[C>T]AGGCATCGCGGAAATAATTCTAGAATGGGGACCCACAAGACAGAGATGCCAACAGAGGGC-3'

ClinVar aggregate classification (germline): Pathogenic (1 of 4 stars; one submission).

Conditions:
Episodic ataxia type 2 (EA2). Also called: ATAXIA, EPISODIC, WITH NYSTAGMUS; ATAXIA, FAMILIAL PAROXYSMAL; ACETAZOLAMIDE-RESPONSIVE HEREDITARY PAROXYSMAL CEREBELLAR ATAXIA; CEREBELLAR ATAXIA, PAROXYSMAL, ACETAZOLAMIDE-RESPONSIVE; CEREBELLOPATHY, HEREDITARY PAROXYSMAL; EPISODIC ATAXIA, NYSTAGMUS-ASSOCIATED. Identifiers: Orphanet 97, MedGen C1720416, MONDO:0007163, OMIM 108500.
Developmental and epileptic encephalopathy, 42 (DEE42A). Also called: Epileptic encephalopathy, early infantile, 42; DEVELOPMENTAL AND EPILEPTIC ENCEPHALOPATHY 42A; EPILEPTIC ENCEPHALOPATHY, EARLY INFANTILE, 42A. Identifiers: MedGen C4310716, MONDO:0014917, OMIM 617106.

Submission:

Labcorp Genetics (formerly Invitae), Labcorp
Classification: Pathogenic for Developmental and epileptic encephalopathy, 42; Episodic ataxia type 2. Last evaluated: 2024-06-10. Review status: criteria provided, single submitter. Criteria: Invitae Variant Classification Sherloc (09022015). Collection method: clinical testing. Allele origin: germline.
Comment: This sequence change creates a premature translational stop signal (p.Trp1630*) in the CACNA1A gene. It is expected to result in an absent or disrupted protein product. Loss-of-function variants in CACNA1A are known to be pathogenic (PMID: 10371528, 19486177, 25735478, 27250579). This variant is not present in population databases (gnomAD no frequency). This premature translational stop signal has been observed in individual(s) with CACNA1A-related condition (PMID: 34102571). Algorithms developed to predict the effect of sequence changes on RNA splicing suggest that this variant may disrupt the consensus splice site. For these reasons, this variant has been classified as Pathogenic.

Literature cited by the submitters: PubMed 10371528; PubMed 19486177; PubMed 25735478; PubMed 27250579; PubMed 34102571.